The following is an entry in ClinVar:

NM_206933.4(USH2A):c.15118G>T (p.Glu5040Ter)

Gene: USH2A (usherin; minus strand). Cytogenetic location: 1q41.
Variant type: single nucleotide variant.
Coding change: c.15118G>T on transcript NM_206933.4 (MANE Select); coding-DNA position 15118, G replaced by T.
Protein change: p.Glu5040Ter; replaces glutamic acid 5040 with a stop codon.
Molecular consequence: nonsense.
Genome position (GRCh38, 1-based): chr1:215,634,638, C>A on the plus strand (G>T on the coding strand, the complement: USH2A is on the minus strand). VCF-style: chr1-215634638-C-A. GRCh37 (hg19) VCF-style: chr1-215807980-C-A.
Other names: short protein forms E5040*.
Identifiers: ClinVar variation 1964606 (VCV001964606.6), dbSNP rs969737676, ClinGen allele CA344824372.

ClinVar aggregate classification (germline): Pathogenic. Review status: criteria provided, multiple submitters, no conflicts (2 of 4 stars). 2 submissions from 2 submitters: Pathogenic (2). Last evaluated 2026-02-25.

Conditions:
USH2A-related disorder. Also called: USH2A-related condition; USH2A-related disorders. Identifiers: MedGen CN239332.

Submissions (2):

Myriad Genetics, Inc.
Classification: Pathogenic for USH2A-related disorder. Last evaluated: 2026-02-25. Review status: criteria provided, single submitter. Criteria: Myriad Autosomal Dominant, Autosomal Recessive and X-Linked Classification Criteria (2023). Collection method: clinical testing. Allele origin: unknown.
Comment: NM_206933.2(USH2A):c.15118G>T(E5040*) is expected to be pathogenic in the context of USH2A-related disorders. This variant is predicted to lead to an abnormal or absent protein product due to the creation of a premature termination codon in USH2A, a gene where loss-of-function variants are known to be pathogenic. Please note: this variant was assessed in the context of healthy population screening.

Labcorp Genetics (formerly Invitae), Labcorp
Classification: Pathogenic. Last evaluated: 2022-03-04. Review status: criteria provided, single submitter. Criteria: Invitae Variant Classification Sherloc (09022015). Collection method: clinical testing. Allele origin: germline.
Comment: This sequence change creates a premature translational stop signal (p.Glu5040*) in the USH2A gene. It is expected to result in an absent or disrupted protein product. Loss-of-function variants in USH2A are known to be pathogenic (PMID: 10729113, 10909849, 20507924, 25649381). This variant is not present in population databases (gnomAD no frequency). This variant has not been reported in the literature in individuals affected with USH2A-related conditions. For these reasons, this variant has been classified as Pathogenic.

Literature cited by the submitters: PubMed 10729113 (cited by Labcorp Genetics (formerly Invitae), Labcorp); PubMed 10909849 (cited by Labcorp Genetics (formerly Invitae), Labcorp); PubMed 20507924 (cited by Labcorp Genetics (formerly Invitae), Labcorp); PubMed 25649381 (cited by Labcorp Genetics (formerly Invitae), Labcorp).